The following is an entry in ClinVar:

ClinVar aggregate classification (germline): Uncertain significance (1 of 4 stars; one submission).

gnomAD v4.1: 1 of 1,456,530 alleles (0.000069%); highest among the groups gnomAD compares: East Asian, 0.003%; no homozygotes.

Submission:

Ambry Genetics
Classification: Uncertain significance. Last evaluated: 2024-03-09. Review status: criteria provided, single submitter. Criteria: Ambry Variant Classification Scheme 2023. Collection method: clinical testing. Allele origin: germline.
Comment: The p.P80R variant (also known as c.239C>G), located in coding exon 1 of the EGLN1 gene, results from a C to G substitution at nucleotide position 239. The proline at codon 80 is replaced by arginine, an amino acid with dissimilar properties. This amino acid position is conserved. In addition, this alteration is predicted to be tolerated by in silico analysis. Based on the available evidence, the clinical significance of this alteration remains unclear.

NM_022051.3(EGLN1):c.239C>G (p.Pro80Arg)

Gene: EGLN1 (egl-9 family hypoxia inducible factor 1; minus strand). Cytogenetic location: 1q42.2.
Variant type: single nucleotide variant.
Coding change: c.239C>G on transcript NM_022051.3 (MANE Select); coding-DNA position 239, C replaced by G.
Protein change: p.Pro80Arg; replaces proline 80 with arginine.
Molecular consequence: missense variant.
Genome position (GRCh38, 1-based): chr1:231,421,650, G>C on the plus strand (C>G on the coding strand, the complement: EGLN1 is on the minus strand). VCF-style: chr1-231421650-G-C. GRCh37 (hg19) VCF-style: chr1-231557396-G-C.
Other names: c.239C>G, p.Pro80Arg (NM_001377260.1, NM_001377261.1); short protein forms P80R.
Identifiers: ClinVar variation 3227701 (VCV003227701.1), dbSNP rs1428127324, ClinGen allele CA345238346.